The following is an entry in ClinVar:

NM_017947.4(MOCOS):c.890C>T (p.Ala297Val)

Gene: MOCOS (molybdenum cofactor sulfurase; plus strand). Cytogenetic location: 18q12.2.
Variant type: single nucleotide variant.
Coding change: c.890C>T on transcript NM_017947.4 (MANE Select); coding-DNA position 890, C replaced by T.
Protein change: p.Ala297Val; replaces alanine 297 with valine.
Molecular consequence: missense variant.
Genome position (GRCh38, 1-based): chr18:36,200,273, C>T. VCF-style: chr18-36200273-C-T. GRCh37 (hg19) VCF-style: chr18-33780236-C-T.
Other names: short protein forms A297V.
Identifiers: ClinVar variation 773338 (VCV000773338.15), dbSNP rs139002197, ClinGen allele CA8940534.

ClinVar aggregate classification (germline): Conflicting classifications of pathogenicity. Review status: criteria provided, conflicting classifications (1 of 4 stars). 5 submissions from 5 submitters: Uncertain significance (2); Likely benign (2). 1 of the submissions does not count toward it. Last evaluated 2026-03-06.

Conditions:
MOCOS-related disorder. Also called: MOCOS-related condition.
Xanthinuria type II. Also called: Xanthine dehydrogenase and aldehyde oxidase combined deficiency of; XDH and AOX dual deficiency. Identifiers: Orphanet 3467, Orphanet 93602, MedGen C1863688, MONDO:0011346, OMIM 603592.

Allele frequency attached by ClinVar (database versions not stated): 1000 Genomes Project 30x 0.00078; TOPMed 0.00185; ExAC 0.00048; 1000 Genomes Project 0.00060; ESP Exome Variant Server 0.00185.
gnomAD v4.1: 523 of 1,614,072 alleles (0.032%); highest among the groups gnomAD compares: African/African-American, 0.57%; 3 homozygotes.

Submissions (5):

GeneDx
Classification: Uncertain significance. Last evaluated: 2026-03-06. Review status: criteria provided, single submitter. Criteria: GeneDx Variant Classification Process June 2021. Collection method: clinical testing. Allele origin: germline.
Comment: In silico analysis supports that this missense variant has a deleterious effect on protein structure/function; Has not been previously published as pathogenic or benign to our knowledge

Labcorp Genetics (formerly Invitae), Labcorp
Classification: Likely benign for Xanthinuria type II. Last evaluated: 2026-01-06. Review status: criteria provided, single submitter. Criteria: Invitae Variant Classification Sherloc (09022015). Collection method: clinical testing. Allele origin: germline.

Ambry Genetics
Classification: Uncertain significance. Last evaluated: 2025-08-25. Review status: criteria provided, single submitter. Criteria: Ambry Variant Classification Scheme 2023. Collection method: clinical testing. Allele origin: germline.

Breakthrough Genomics
Classification: Likely benign. Review status: criteria provided, single submitter. Criteria: ACMG Guidelines, 2015. Collection method: not provided. Allele origin: germline. Inheritance: Autosomal recessive inheritance. Affected: yes.

PreventionGenetics, part of Exact Sciences
Classification: Likely benign for MOCOS-related condition. Last evaluated: 2020-08-05. Review status: no assertion criteria provided. Collection method: clinical testing. Allele origin: germline. Not counted in ClinVar's aggregate classification.
Comment: This variant is classified as likely benign based on ACMG/AMP sequence variant interpretation guidelines (Richards et al. 2015 PMID: 25741868, with internal and published modifications).